The following is an entry in ClinVar:

ClinVar aggregate classification (germline): Benign/Likely benign. Review status: criteria provided, multiple submitters, no conflicts (2 of 4 stars). 4 submissions from 4 submitters: Benign (2); Likely benign (1). 1 of the submissions does not count toward it. Last evaluated 2025-12-19.

Conditions:
KMT2B-related disorder. Also called: KMT2B-related disorders; KMT2B-related condition. Identifiers: MedGen CN381338.
Inborn genetic diseases. Identifiers: MedGen C0950123, MeSH D030342.

Allele frequency attached by ClinVar (database versions not stated): gnomAD exomes 0.00008 and 0.00018; 1000 Genomes Project 30x 0.00094; 1000 Genomes Project 0.00120; ExAC 0.00130.

Submissions (4):

Labcorp Genetics (formerly Invitae), Labcorp
Classification: Benign. Last evaluated: 2025-12-19. Review status: criteria provided, single submitter. Criteria: Invitae Variant Classification Sherloc (09022015). Collection method: clinical testing. Allele origin: germline.

Ambry Genetics
Classification: Likely benign for Inborn genetic diseases. Last evaluated: 2024-05-10. Review status: criteria provided, single submitter. Criteria: Ambry Variant Classification Scheme 2023. Collection method: clinical testing. Allele origin: germline.

GeneDx
Classification: Benign. Last evaluated: 2020-05-26. Review status: criteria provided, single submitter. Criteria: GeneDx Variant Classification Process June 2021. Collection method: clinical testing. Allele origin: germline. Affected: yes.

PreventionGenetics, part of Exact Sciences
Classification: Likely benign for KMT2B-related condition. Last evaluated: 2019-06-25. Review status: no assertion criteria provided. Collection method: clinical testing. Allele origin: germline. Not counted in ClinVar's aggregate classification.
Comment: This variant is classified as likely benign based on ACMG/AMP sequence variant interpretation guidelines (Richards et al. 2015 PMID: 25741868, with internal and published modifications).

NM_014727.3(KMT2B):c.1375C>T (p.Pro459Ser)

Gene: KMT2B (lysine methyltransferase 2B; plus strand). Cytogenetic location: 19q13.12.
Variant type: single nucleotide variant.
Coding change: c.1375C>T on transcript NM_014727.3 (MANE Select); coding-DNA position 1375, C replaced by T.
Protein change: p.Pro459Ser; replaces proline 459 with serine.
Molecular consequence: missense variant.
Genome position (GRCh38, 1-based): chr19:35,720,722, C>T. VCF-style: chr19-35720722-C-T. GRCh37 (hg19) VCF-style: chr19-36211624-C-T.
Other names: c.1375C>T (NM_014727.1); short protein forms P459S.
Identifiers: ClinVar variation 1281806 (VCV001281806.9), dbSNP rs574808075, ClinGen allele CA9384218.